The following is an entry in ClinVar:

NM_000240.4(MAOA):c.1248G>A (p.Met416Ile)

Gene: MAOA (monoamine oxidase A; plus strand). Cytogenetic location: Xp11.3.
Variant type: single nucleotide variant.
Coding change: c.1248G>A on transcript NM_000240.4 (MANE Select); coding-DNA position 1248, G replaced by A.
Protein change: p.Met416Ile; replaces methionine 416 with isoleucine.
Molecular consequence: missense variant.
Genome position (GRCh38, 1-based): chrX:43,742,033, G>A. VCF-style: chrX-43742033-G-A. GRCh37 (hg19) VCF-style: chrX-43601280-G-A.
Other names: c.849G>A, p.Met283Ile (NM_001270458.2); short protein forms M416I, M283I.
Identifiers: ClinVar variation 282807 (VCV000282807.19), dbSNP rs772161607, ClinGen allele CA10390935.

ClinVar aggregate classification (germline): Conflicting classifications of pathogenicity. Review status: criteria provided, conflicting classifications (1 of 4 stars). 5 submissions from 5 submitters: Uncertain significance (3); Likely benign (2). Last evaluated 2026-06-01.

Conditions:
Inborn genetic diseases. Identifiers: MedGen C0950123, MeSH D030342.
Brunner syndrome (BRNRS). Identifiers: Orphanet 3057, MedGen C0796275, MONDO:0010379, OMIM 300615.

Allele frequency attached by ClinVar (database versions not stated): ExAC 0.00002; gnomAD exomes 0.00007; TOPMed 0.00015; gnomAD 0.00016; 1000 Genomes Project 0.00053; 1000 Genomes Project 30x 0.00062.
gnomAD v4.1: 35 of 1,209,823 alleles (0.0029%); highest among the groups gnomAD compares: African/African-American, 0.044%; no homozygotes.

Submissions (5):

CeGaT Center for Human Genetics Tuebingen
Classification: Likely benign. Last evaluated: 2026-06-01. Review status: criteria provided, single submitter. Criteria: CeGaT Center For Human Genetics Tuebingen Variant Classification Criteria Version 2. Collection method: clinical testing. Allele origin: germline. Affected: yes. Observed: 1 variant allele.
Comment: MAOA: BS2

Women's Health and Genetics/Laboratory Corporation of America, LabCorp
Classification: Uncertain significance. Last evaluated: 2025-05-14. Review status: criteria provided, single submitter. Criteria: LabCorp Variant Classification Summary - May 2015. Collection method: clinical testing. Allele origin: germline.
Comment: Variant summary: MAOA c.1248G>A (p.Met416Ile) results in a conservative amino acid change in the encoded protein sequence. Algorithms developed to predict the effect of missense changes on protein structure and function are either unavailable or do not agree on the potential impact of this missense change. The variant allele was found at a frequency of 6.6e-05 in 182756 control chromosomes, including 8 hemizygotes. This frequency is not significantly higher than estimated for a pathogenic variant in MAOA causing Brunner Syndrome, allowing no conclusion about variant significance. To our knowledge, no occurrence of c.1248G>A in individuals affected with Brunner Syndrome and no experimental evidence demonstrating its impact on protein function have been reported. ClinVar contains an entry for this variant (Variation ID: 282807). Based on the evidence outlined above, the variant was classified as uncertain significance.

Labcorp Genetics (formerly Invitae), Labcorp
Classification: Uncertain significance for Brunner syndrome. Last evaluated: 2025-03-22. Review status: criteria provided, single submitter. Criteria: Invitae Variant Classification Sherloc (09022015). Collection method: clinical testing. Allele origin: germline.
Comment: This sequence change replaces methionine, which is neutral and non-polar, with isoleucine, which is neutral and non-polar, at codon 416 of the MAOA protein (p.Met416Ile). This variant is present in population databases (rs772161607, gnomAD 0.06%), and has an allele count higher than expected for a pathogenic variant. This variant has not been reported in the literature in individuals affected with MAOA-related conditions. ClinVar contains an entry for this variant (Variation ID: 282807). Invitae Evidence Modeling of protein sequence and biophysical properties (such as structural, functional, and spatial information, amino acid conservation, physicochemical variation, residue mobility, and thermodynamic stability) indicates that this missense variant is not expected to disrupt MAOA protein function with a negative predictive value of 80%. In summary, the available evidence is currently insufficient to determine the role of this variant in disease. Therefore, it has been classified as a Variant of Uncertain Significance.

Ambry Genetics
Classification: Likely benign for Inborn genetic diseases. Last evaluated: 2021-09-09. Review status: criteria provided, single submitter. Criteria: Ambry Variant Classification Scheme 2023. Collection method: clinical testing. Allele origin: germline.

Eurofins Ntd Llc (ga)
Classification: Uncertain significance. Last evaluated: 2015-09-25. Review status: criteria provided, single submitter. Criteria: EGL Classification Definitions 2015. Collection method: clinical testing. Allele origin: germline. Observed: 1 variant allele, 1 hemizygote.